The following is an entry in ClinVar:

NM_002890.3(RASA1):c.1477T>G (p.Leu493Val)

Genes: CCNH (cyclin H; minus strand), RASA1 (RAS p21 protein activator 1; plus strand). Cytogenetic location: 5q14.3.
Variant type: single nucleotide variant.
Coding change: c.1477T>G on transcript NM_002890.3 (MANE Select); coding-DNA position 1477, T replaced by G.
Protein change: p.Leu493Val; replaces leucine 493 with valine.
Molecular consequence: missense variant. On other transcripts: intron variant (1).
Genome position (GRCh38, 1-based): chr5:87,363,371, T>G. VCF-style: chr5-87363371-T-G. GRCh37 (hg19) VCF-style: chr5-86659188-T-G.
Other names: c.946T>G, p.Leu316Val (NM_022650.3); c.933+31673A>C (NM_001364075.2); short protein forms L316V, L493V.
Identifiers: ClinVar variation 2587736 (VCV002587736.2), dbSNP rs2112459536, ClinGen allele CA360368921.

ClinVar aggregate classification (germline): Uncertain significance (1 of 4 stars; one submission).

Conditions:
Cardiovascular phenotype. Identifiers: MedGen CN230736.

Submission:

Ambry Genetics
Classification: Uncertain significance for Cardiovascular phenotype. Last evaluated: 2023-07-18. Review status: criteria provided, single submitter. Criteria: Ambry Variant Classification Scheme 2023. Collection method: clinical testing. Allele origin: germline.
Comment: The p.L493V variant (also known as c.1477T>G), located in coding exon 11 of the RASA1 gene, results from a T to G substitution at nucleotide position 1477. The leucine at codon 493 is replaced by valine, an amino acid with highly similar properties. This amino acid position is conserved. In addition, this alteration is predicted to be tolerated by in silico analysis. Since supporting evidence is limited at this time, the clinical significance of this alteration remains unclear.